The following is an entry in ClinVar:

ClinVar aggregate classification (germline): Conflicting classifications of pathogenicity. Review status: criteria provided, conflicting classifications (1 of 4 stars). 3 submissions from 3 submitters: Uncertain significance (1); Benign (1). 1 of the submissions does not count toward it. Last evaluated 2026-01-03.

Conditions:
Kabuki syndrome. Also called: Kabuki make-up syndrome; NIIKAWA-KUROKI SYNDROME. Identifiers: Orphanet 2322, MedGen C0796004, MONDO:0016512.
Choanal atresia-athelia-hypothyroidism-delayed puberty-short stature syndrome (BCAHH). Also called: BRANCHIAL ARCH ABNORMALITIES, CHOANAL ATRESIA, ATHELIA, HEARING LOSS, AND HYPOTHYROIDISM SYNDROME. Identifiers: Orphanet 589856, MedGen C5680310, MONDO:0035651, OMIM 620186.
Kabuki syndrome 1 (KABUK1). Also called: KMT2D-Related Kabuki Syndrome. Identifiers: Orphanet 2322, MedGen CN030661, MONDO:0007843, OMIM 147920.
KMT2D-related disorder. Also called: KMT2D-Related Disorders.

gnomAD v4.1: 46 of 1,613,790 alleles (0.0029%); highest among the groups gnomAD compares: South Asian, 0.038%; no homozygotes.

Submissions (3):

Labcorp Genetics (formerly Invitae), Labcorp
Classification: Benign for Kabuki syndrome. Last evaluated: 2026-01-03. Review status: criteria provided, single submitter. Criteria: Invitae Variant Classification Sherloc (09022015). Collection method: clinical testing. Allele origin: germline.

Fulgent Genetics
Classification: Uncertain significance for Kabuki syndrome 1; Choanal atresia-athelia-hypothyroidism-delayed puberty-short stature syndrome. Last evaluated: 2024-02-25. Review status: criteria provided, single submitter. Criteria: ACMG Guidelines, 2015. Collection method: clinical testing. Allele origin: germline.

PreventionGenetics, part of Exact Sciences
Classification: Likely benign for KMT2D-related condition. Last evaluated: 2024-04-10. Review status: no assertion criteria provided. Collection method: clinical testing. Allele origin: germline. Not counted in ClinVar's aggregate classification.
Comment: This variant is classified as likely benign based on ACMG/AMP sequence variant interpretation guidelines (Richards et al. 2015 PMID: 25741868, with internal and published modifications).

NM_003482.4(KMT2D):c.9259C>G (p.Arg3087Gly)

Gene: KMT2D (lysine methyltransferase 2D; minus strand). Cytogenetic location: 12q13.12.
Variant type: single nucleotide variant.
Coding change: c.9259C>G on transcript NM_003482.4 (MANE Select); coding-DNA position 9259, C replaced by G.
Protein change: p.Arg3087Gly; replaces arginine 3087 with glycine.
Molecular consequence: missense variant.
Genome position (GRCh38, 1-based): chr12:49,038,097, G>C on the plus strand (C>G on the coding strand, the complement: KMT2D is on the minus strand). VCF-style: chr12-49038097-G-C. GRCh37 (hg19) VCF-style: chr12-49431880-G-C.
Other names: short protein forms R3087G.
Identifiers: ClinVar variation 2732795 (VCV002732795.5), dbSNP rs538335897, ClinGen allele CA6546727.